The following is an entry in ClinVar:

ClinVar aggregate classification (germline): Uncertain significance (1 of 4 stars; one submission).

Conditions:
Familial hypobetalipoproteinemia 1. Also called: APOB-Related Familial Hypobetalipoproteinemia; Hypobetalipoproteinemia, normotriglyceridemic; Acanthocytosis with hypobetalipoproteinemia. Identifiers: MedGen C4551990, MONDO:0014252, OMIM 615558.
Hypercholesterolemia, autosomal dominant, type B (FHCL2). Also called: APOLIPOPROTEIN B-100, FAMILIAL DEFECTIVE; APOLIPOPROTEIN B-100, FAMILIAL LIGAND-DEFECTIVE; HYPERCHOLESTEROLEMIA, FAMILIAL, DUE TO LIGAND-DEFECTIVE APOLIPOPROTEIN B; Hyperlipoproteinemia Type IIb; Familial hypercholesterolemia 2; Familial Hypercholesterolemia Type B. Identifiers: MedGen C1704417, MONDO:0007751, OMIM 144010.

gnomAD v4.1: 3 of 1,614,148 alleles (0.00019%); highest among the groups gnomAD compares: Non-Finnish European, 0.00025%; no homozygotes.

Submission:

Labcorp Genetics (formerly Invitae), Labcorp
Classification: Uncertain significance for Familial hypobetalipoproteinemia 1; Hypercholesterolemia, autosomal dominant, type B. Last evaluated: 2020-05-27. Review status: criteria provided, single submitter. Criteria: Invitae Variant Classification Sherloc (09022015). Collection method: clinical testing. Allele origin: germline.
Comment: This sequence change replaces proline with histidine at codon 955 of the APOB protein (p.Pro955His). The proline residue is moderately conserved and there is a moderate physicochemical difference between proline and histidine. This variant is not present in population databases (ExAC no frequency). This variant has been observed in individual(s) with clinical features of familial hypercholesterolemia (Invitae). Algorithms developed to predict the effect of missense changes on protein structure and function are either unavailable or do not agree on the potential impact of this missense change (SIFT: "Deleterious"; PolyPhen-2: "Probably Damaging"; Align-GVGD: "Class C0"). In summary, the available evidence is currently insufficient to determine the role of this variant in disease. Therefore, it has been classified as a Variant of Uncertain Significance.

NM_000384.3(APOB):c.2864C>A (p.Pro955His)

Gene: APOB (apolipoprotein B; minus strand). Cytogenetic location: 2p24.1.
Variant type: single nucleotide variant.
Coding change: c.2864C>A on transcript NM_000384.3 (MANE Select); coding-DNA position 2864, C replaced by A.
Protein change: p.Pro955His; replaces proline 955 with histidine.
Molecular consequence: missense variant.
Genome position (GRCh38, 1-based): chr2:21,019,858, G>T on the plus strand (C>A on the coding strand, the complement: APOB is on the minus strand). VCF-style: chr2-21019858-G-T. GRCh37 (hg19) VCF-style: chr2-21242730-G-T.
Other names: short protein forms P955H.
Identifiers: ClinVar variation 1020234 (VCV001020234.11), dbSNP rs763052786, ClinGen allele CA346010361.